The following is an entry in ClinVar:

ClinVar aggregate classification (germline): Uncertain significance (1 of 4 stars; one submission).

Submission:

GeneDx
Classification: Uncertain significance. Last evaluated: 2025-01-14. Review status: criteria provided, single submitter. Criteria: GeneDx Variant Classification Process June 2021. Collection method: clinical testing. Allele origin: germline. Affected: yes.
Comment: Not observed at significant frequency in large population cohorts (gnomAD); In silico analysis indicates that this missense variant does not alter protein structure/function; Has not been previously published as pathogenic or benign to our knowledge

NM_003470.3(USP7):c.2635C>G (p.Gln879Glu)

Gene: USP7 (ubiquitin specific peptidase 7; minus strand). Cytogenetic location: 16p13.2.
Variant type: single nucleotide variant.
Coding change: c.2635C>G on transcript NM_003470.3 (MANE Select); coding-DNA position 2635, C replaced by G.
Protein change: p.Gln879Glu; replaces glutamine 879 with glutamic acid.
Molecular consequence: missense variant. On other transcripts: non-coding transcript variant (1).
Genome position (GRCh38, 1-based): chr16:8,898,536, G>C on the plus strand (C>G on the coding strand, the complement: USP7 is on the minus strand). VCF-style: chr16-8898536-G-C. GRCh37 (hg19) VCF-style: chr16-8992393-G-C.
Other names: c.2587C>G, p.Gln863Glu (NM_001286457.2); c.2338C>G, p.Gln780Glu (NM_001286458.2); c.2461C>G, p.Gln821Glu (NM_001321858.2); short protein forms Q780E, Q821E, Q863E, Q879E.
Identifiers: ClinVar variation 4057178 (VCV004057178.1).